The following is an entry in ClinVar:

NM_020436.5(SALL4):c.1232del (p.Val411fs)

Gene: SALL4 (spalt like transcription factor 4; minus strand). Cytogenetic location: 20q13.2.
Variant type: Deletion.
Coding change: c.1232del on transcript NM_020436.5 (MANE Select); coding-DNA position 1232, one base deleted (T; older notation c.1232delT).
Protein change: p.Val411fs; shifts the reading frame from valine 411.
Molecular consequence: frameshift variant. On other transcripts: intron variant (1).
Genome position (GRCh38, 1-based): chr20:51,791,251, A deleted on the plus strand (T on the coding strand, the reverse complement: SALL4 is on the minus strand). VCF-style (leftmost placement, unchanged base first): chr20-51791250-CA-C. GRCh37 (hg19) VCF-style: chr20-50407789-CA-C.
Other names: c.1232del (LRG_675t1); c.1150+82del (NM_001318031.2); short protein forms V411fs.
Identifiers: ClinVar variation 580810 (VCV000580810.6), dbSNP rs1568864697, ClinGen allele CA891843534.

ClinVar aggregate classification (germline): Pathogenic (1 of 4 stars; one submission).

Conditions:
Duane-radial ray syndrome (DRRS). Also called: Okihiro Syndrome; Duane-Radial Ray Syndrome/Okihiro Syndrome; ACRORENOOCULAR SYNDROME; Duane-Radial Ray Syndrome (DRRS) / Okihiro Syndrome; DR SYNDROME; DUANE ANOMALY WITH RADIAL RAY ABNORMALITIES AND DEAFNESS. Identifiers: Orphanet 93293, Orphanet 959, MedGen C1623209, MONDO:0011812, OMIM 607323. Disease mechanism: gain of function.

Submission:

Labcorp Genetics (formerly Invitae), Labcorp
Classification: Pathogenic for Duane-radial ray syndrome. Last evaluated: 2022-02-20. Review status: criteria provided, single submitter. Criteria: Invitae Variant Classification Sherloc (09022015). Collection method: clinical testing. Allele origin: germline.
Comment: ClinVar contains an entry for this variant (Variation ID: 580810). This variant has not been reported in the literature in individuals affected with SALL4-related conditions. This variant is not present in population databases (gnomAD no frequency). This sequence change creates a premature translational stop signal (p.Val411Glyfs*25) in the SALL4 gene. It is expected to result in an absent or disrupted protein product. Loss-of-function variants in SALL4 are known to be pathogenic (PMID: 15342710, 16086360). For these reasons, this variant has been classified as Pathogenic.

Literature cited by the submitters: PubMed 15342710; PubMed 16086360.